The following is an entry in ClinVar:

NM_005912.3(MC4R):c.204A>G (p.Ala68=)

Gene: MC4R (melanocortin 4 receptor; minus strand). Cytogenetic location: 18q21.32.
Variant type: single nucleotide variant.
Coding change: c.204A>G on transcript NM_005912.3 (MANE Select); coding-DNA position 204, A replaced by G.
Protein change: p.Ala68=; no amino-acid change (alanine 68 retained).
Molecular consequence: synonymous variant.
Genome position (GRCh38, 1-based): chr18:60,372,146, T>C on the plus strand (A>G on the coding strand, the complement: MC4R is on the minus strand). VCF-style: chr18-60372146-T-C. GRCh37 (hg19) VCF-style: chr18-58039379-T-C.
Identifiers: ClinVar variation 5000004 (VCV005000004.1).

ClinVar aggregate classification (germline): Likely benign (1 of 4 stars; one submission).

Conditions:
MC4R-related disorder. Also called: MC4R-related condition.

gnomAD v4.1: 9 of 1,614,250 alleles (0.00056%); highest among the groups gnomAD compares: East Asian, 0.02%; 1 homozygote.

Submission:

PreventionGenetics, part of Exact Sciences
Classification: Likely benign for MC4R-related condition. Last evaluated: 2025-01-30. Review status: criteria provided, single submitter. Criteria: ACMG Guidelines, 2015. Collection method: clinical testing. Allele origin: germline.
Comment: This variant is classified as likely benign based on ACMG/AMP sequence variant interpretation guidelines (Richards et al. 2015 PMID: 25741868, with internal and published modifications).